The following is an entry in ClinVar:

ClinVar aggregate classification (germline): Uncertain significance (1 of 4 stars; one submission).

Conditions:
Hyperaldosteronism, familial, type IV (HALD4). Also called: FH IV; ALDOSTERONISM, PRIMARY, AND HYPERTENSION. Identifiers: Orphanet 642671, MedGen C4310756, MONDO:0014875, OMIM 617027.
Idiopathic generalized epilepsy. Also called: Generalised epilepsy; EIG. Identifiers: MedGen C0270850, MONDO:0005579, OMIM 600669.

Allele frequency attached by ClinVar (database versions not stated): gnomAD below 0.00001 and 0.00001; TOPMed 0.00001.

Submission:

Labcorp Genetics (formerly Invitae), Labcorp
Classification: Uncertain significance for Idiopathic generalized epilepsy; Hyperaldosteronism, familial, type IV. Last evaluated: 2023-08-04. Review status: criteria provided, single submitter. Criteria: Invitae Variant Classification Sherloc (09022015). Collection method: clinical testing. Allele origin: germline.
Comment: This sequence change replaces proline, which is neutral and non-polar, with serine, which is neutral and polar, at codon 1086 of the CACNA1H protein (p.Pro1086Ser). ClinVar contains an entry for this variant (Variation ID: 529576). Advanced modeling of protein sequence and biophysical properties (such as structural, functional, and spatial information, amino acid conservation, physicochemical variation, residue mobility, and thermodynamic stability) performed at Invitae indicates that this missense variant is not expected to disrupt CACNA1H protein function. In summary, the available evidence is currently insufficient to determine the role of this variant in disease. Therefore, it has been classified as a Variant of Uncertain Significance. This variant has not been reported in the literature in individuals affected with CACNA1H-related conditions. This variant is not present in population databases (gnomAD no frequency).

NM_021098.3(CACNA1H):c.3256C>T (p.Pro1086Ser)

Gene: CACNA1H (calcium voltage-gated channel subunit alpha1 H; plus strand). Cytogenetic location: 16p13.3.
Variant type: single nucleotide variant.
Coding change: c.3256C>T on transcript NM_021098.3 (MANE Select); coding-DNA position 3256, C replaced by T.
Protein change: p.Pro1086Ser; replaces proline 1086 with serine.
Molecular consequence: missense variant.
Genome position (GRCh38, 1-based): chr16:1,208,114, C>T. VCF-style: chr16-1208114-C-T. GRCh37 (hg19) VCF-style: chr16-1258114-C-T.
Other names: c.3256C>T, p.Pro1086Ser (NM_001005407.2); short protein forms P1086S.
Identifiers: ClinVar variation 529576 (VCV000529576.8), dbSNP rs1049677203, ClinGen allele CA276661877.